The following is an entry in ClinVar:

NC_000009.11:g.(?_97380030)_(97382793_?)del

Gene: FBP1 (fructose-bisphosphatase 1; minus strand). Cytogenetic location: 9q22.32.
Variant type: Deletion.
Identifiers: ClinVar variation 3245072 (VCV003245072.1).

ClinVar aggregate classification (germline): Pathogenic (1 of 4 stars; one submission).

Conditions:
Fructose-biphosphatase deficiency (FBP1D). Also called: Fructose-1,6-Bisphosphatase 1 Deficiency; Fructose-1,6-Diphosphatase Deficiency; Fructose 1,6 Bisphosphatase Deficiency. Identifiers: Orphanet 348, MedGen C0016756, MONDO:0009251, OMIM 229700.

Submission:

Labcorp Genetics (formerly Invitae), Labcorp
Classification: Pathogenic for Fructose-biphosphatase deficiency. Last evaluated: 2023-06-17. Review status: criteria provided, single submitter. Criteria: Invitae Variant Classification Sherloc (09022015). Collection method: clinical testing. Allele origin: unknown.
Comment: For these reasons, this variant has been classified as Pathogenic. This variant has not been reported in the literature in individuals affected with FBP1-related conditions. This variant is a gross deletion of the genomic region encompassing exon(s) 2-3 of the FBP1 gene. This deletion is out-of-frame, and is expected to create a premature termination codon and result in an absent or disrupted protein product. Loss-of-function variants in FBP1 are known to be pathogenic (PMID: 9382095, 19259699, 27101822).

Literature cited by the submitters: PubMed 9382095; PubMed 19259699; PubMed 27101822.